The following is an entry in ClinVar:

ClinVar aggregate classification (germline): Uncertain significance (1 of 4 stars; one submission).

Conditions:
Congenital myasthenic syndrome 8. Also called: MYASTHENIC SYNDROME, CONGENITAL, DUE TO AGRIN DEFICIENCY; Myasthenic syndrome, congenital, 8, with pre- and postsynaptic defects. Identifiers: Orphanet 590, MedGen C3808739, MONDO:0014052, OMIM 615120.

Allele frequency attached by ClinVar (database versions not stated): gnomAD 0.00001; TOPMed 0.00003.

Submission:

Labcorp Genetics (formerly Invitae), Labcorp
Classification: Uncertain significance for Congenital myasthenic syndrome 8. Last evaluated: 2022-06-23. Review status: criteria provided, single submitter. Criteria: Invitae Variant Classification Sherloc (09022015). Collection method: clinical testing. Allele origin: germline.
Comment: This sequence change replaces arginine, which is basic and polar, with cysteine, which is neutral and slightly polar, at codon 408 of the AGRN protein (p.Arg408Cys). This variant is present in population databases (rs775310667, gnomAD 0.004%). This variant has not been reported in the literature in individuals affected with AGRN-related conditions. ClinVar contains an entry for this variant (Variation ID: 938734). Algorithms developed to predict the effect of missense changes on protein structure and function are either unavailable or do not agree on the potential impact of this missense change (SIFT: "Deleterious"; PolyPhen-2: "Possibly Damaging"; Align-GVGD: "Class C0"). In summary, the available evidence is currently insufficient to determine the role of this variant in disease. Therefore, it has been classified as a Variant of Uncertain Significance.

NM_198576.4(AGRN):c.1222C>T (p.Arg408Cys)

Gene: AGRN (agrin; plus strand). Cytogenetic location: 1p36.33.
Variant type: single nucleotide variant.
Coding change: c.1222C>T on transcript NM_198576.4 (MANE Select); coding-DNA position 1222, C replaced by T.
Protein change: p.Arg408Cys; replaces arginine 408 with cysteine.
Molecular consequence: missense variant.
Genome position (GRCh38, 1-based): chr1:1,042,000, C>T. VCF-style: chr1-1042000-C-T. GRCh37 (hg19) VCF-style: chr1-977380-C-T.
Other names: c.1222C>T, p.Arg408Cys (NM_001305275.2); c.907C>T, p.Arg303Cys (NM_001364727.2); short protein forms R408C, R303C.
Identifiers: ClinVar variation 938734 (VCV000938734.7), dbSNP rs775310667, ClinGen allele CA508077.
Genomic context (GRCh38, chr1:1,042,000, plus strand): 5'-CACCCCTGCGTCCTAGACCAGTGCCCGGAGCCCTGCCGGTTCAATGCCGTGTGCCTGTCC[C>T]GCCGTGGCCGTCCCCGCTGCTCCTGCGACCGCGTCACCTGTGACGGGGCCTACAGGCCCG-3'
Protein context (NP_940978.2, residues 398-418): PCRFNAVCLS[Arg408Cys]RGRPRCSCDR